The following is an entry in ClinVar:

NM_001242957.3(MAK):c.1721_1724del (p.Ser574fs)

Gene: MAK (male germ cell associated kinase; minus strand). Cytogenetic location: 6p24.2.
Variant type: Microsatellite.
Coding change: c.1721_1724del on transcript NM_001242957.3 (MANE Select); coding-DNA positions 1721 to 1724, 4 bases deleted (CCTT; older notation c.1721_1724delCCTT).
Protein change: p.Ser574fs; shifts the reading frame from serine 574.
Molecular consequence: frameshift variant. On other transcripts: non-coding transcript variant (2), intron variant (2).
Genome position (GRCh38, 1-based): chr6:10,770,179-10,770,182, AAGG deleted on the plus strand (CCTT on the coding strand, the reverse complement: MAK is on the minus strand); deleting any 4 consecutive bases within chr6:10,770,179-10,770,188 gives the same sequence; the c. name uses the placement nearest the transcript's 3' end. VCF-style (leftmost placement, unchanged base first): chr6-10770178-AAAGG-A. GRCh37 (hg19) VCF-style: chr6-10770411-AAAGG-A.
Other names: c.1646_1649del, p.Ser549fs (NM_005906.6); c.1495+5146_1495+5149del (NM_001377262.1); c.1597+5146_1597+5149del (NM_001242385.2); short protein forms S549fs, S574fs.
Identifiers: ClinVar variation 1076305 (VCV001076305.7), dbSNP rs1772872282, ClinGen allele CA1610136631.

ClinVar aggregate classification (germline): Uncertain significance (1 of 4 stars; one submission).

Submission:

Labcorp Genetics (formerly Invitae), Labcorp
Classification: Uncertain significance. Last evaluated: 2024-09-11. Review status: criteria provided, single submitter. Criteria: Invitae Variant Classification Sherloc (09022015). Collection method: clinical testing. Allele origin: germline.
Comment: This sequence change creates a premature translational stop signal (p.Ser574Phefs*15) in the MAK gene. While this is not anticipated to result in nonsense mediated decay, it is expected to disrupt the last 75 amino acid(s) of the MAK protein. This variant is not present in population databases (gnomAD no frequency). This variant has not been reported in the literature in individuals affected with MAK-related conditions. In summary, the available evidence is currently insufficient to determine the role of this variant in disease. Therefore, it has been classified as a Variant of Uncertain Significance.